The following is an entry in ClinVar:

NM_177438.3(DICER1):c.4309G>A (p.Asp1437Asn)

Gene: DICER1 (dicer 1, ribonuclease III; minus strand). Cytogenetic location: 14q32.13.
Variant type: single nucleotide variant.
Coding change: c.4309G>A on transcript NM_177438.3 (MANE Select); coding-DNA position 4309, G replaced by A.
Protein change: p.Asp1437Asn; replaces aspartic acid 1437 with asparagine.
Molecular consequence: missense variant.
Genome position (GRCh38, 1-based): chr14:95,096,611, C>T on the plus strand (G>A on the coding strand, the complement: DICER1 is on the minus strand). VCF-style: chr14-95096611-C-T. GRCh37 (hg19) VCF-style: chr14-95562948-C-T.
Other names: c.4309G>A, p.Asp1437Asn (NM_001195573.1, NM_001271282.3, NM_001291628.2 and 1 more transcripts); short protein forms D1437N.
Identifiers: ClinVar variation 824778 (VCV000824778.4), dbSNP rs1595342200, ClinGen allele CA390869422.

ClinVar aggregate classification (germline): Uncertain significance (1 of 4 stars; one submission).

Conditions:
Hereditary cancer-predisposing syndrome. Also called: Neoplastic Syndromes, Hereditary; Tumor predisposition; Hereditary neoplastic syndrome; Hereditary Cancer Syndrome. Identifiers: Orphanet 140162, MedGen C0027672, MeSH D009386, MONDO:0015356.

Allele frequency attached by ClinVar (database versions not stated): gnomAD exomes below 0.00001.
gnomAD v4.1: 2 of 1,611,432 alleles (0.00012%); highest among the groups gnomAD compares: South Asian, 0.0011%; no homozygotes.

Submission:

Ambry Genetics
Classification: Uncertain significance for Hereditary cancer-predisposing syndrome. Last evaluated: 2018-10-11. Review status: criteria provided, single submitter. Criteria: Ambry Variant Classification Scheme 2023. Collection method: clinical testing. Allele origin: germline.
Comment: The p.D1437N variant (also known as c.4309G>A), located in coding exon 22 of the DICER1 gene, results from a G to A substitution at nucleotide position 4309. The aspartic acid at codon 1437 is replaced by asparagine, an amino acid with highly similar properties. This amino acid position is not well conserved in available vertebrate species. In addition, this alteration is predicted to be tolerated by in silico analysis. Since supporting evidence is limited at this time, the clinical significance of this alteration remains unclear.